The following is an entry in ClinVar:

ClinVar aggregate classification (germline): Uncertain significance (1 of 4 stars; one submission).

Submission:

Labcorp Genetics (formerly Invitae), Labcorp
Classification: Uncertain significance. Last evaluated: 2025-12-08. Review status: criteria provided, single submitter. Criteria: Invitae Variant Classification Sherloc (09022015). Collection method: clinical testing. Allele origin: germline.
Comment: This sequence change replaces leucine, which is neutral and non-polar, with phenylalanine, which is neutral and non-polar, at codon 300 of the MBD4 protein (p.Leu300Phe). This variant is not present in population databases (gnomAD no frequency). This variant has not been reported in the literature in individuals affected with MBD4-related conditions. ClinVar contains an entry for this variant (Variation ID: 3691039). An algorithm developed to predict the effect of missense changes on protein structure and function outputs the following: PolyPhen-2: "Benign". The phenylalanine amino acid residue is found in multiple mammalian species, which suggests that this missense change does not adversely affect protein function. In summary, the available evidence is currently insufficient to determine the role of this variant in disease. Therefore, it has been classified as a Variant of Uncertain Significance.

NM_001276270.2(MBD4):c.898C>T (p.Leu300Phe)

Gene: MBD4 (methyl-CpG binding domain 4, DNA glycosylase; minus strand). Cytogenetic location: 3q21.3.
Variant type: single nucleotide variant.
Coding change: c.898C>T on transcript NM_001276270.2 (MANE Select); coding-DNA position 898, C replaced by T.
Protein change: p.Leu300Phe; replaces leucine 300 with phenylalanine.
Molecular consequence: missense variant. On other transcripts: intron variant (1).
Genome position (GRCh38, 1-based): chr3:129,436,746, G>A on the plus strand (C>T on the coding strand, the complement: MBD4 is on the minus strand). VCF-style: chr3-129436746-G-A. GRCh37 (hg19) VCF-style: chr3-129155589-G-A.
Other names: c.898C>T, p.Leu300Phe (NM_001276271.2, NM_001276272.2, NM_003925.3); c.247+1062C>T (NM_001276273.2); short protein forms L300F.
Identifiers: ClinVar variation 3691039 (VCV003691039.2).